The following is an entry in ClinVar:

ClinVar aggregate classification (germline): Uncertain significance. Review status: criteria provided, multiple submitters, no conflicts (2 of 4 stars). 2 submissions from 2 submitters: Uncertain significance (2). Last evaluated 2025-08-09.

gnomAD v4.1: 21 of 1,613,394 alleles (0.0013%); highest among the groups gnomAD compares: African/African-American, 0.0027%; no homozygotes.

Submissions (2):

Labcorp Genetics (formerly Invitae), Labcorp
Classification: Uncertain significance. Last evaluated: 2025-08-09. Review status: criteria provided, single submitter. Criteria: Invitae Variant Classification Sherloc (09022015). Collection method: clinical testing. Allele origin: germline.
Comment: This sequence change falls in intron 4 of the FLAD1 gene. It does not directly change the encoded amino acid sequence of the FLAD1 protein. It affects a nucleotide within the consensus splice site. This variant is present in population databases (rs781327143, gnomAD 0.004%). This variant has not been reported in the literature in individuals affected with FLAD1-related conditions. Variants that disrupt the consensus splice site are a relatively common cause of aberrant splicing (PMID: 17576681, 9536098). Algorithms developed to predict the effect of sequence changes on RNA splicing suggest that this variant may disrupt the consensus splice site. In summary, the available evidence is currently insufficient to determine the role of this variant in disease. Therefore, it has been classified as a Variant of Uncertain Significance.

GeneDx
Classification: Uncertain significance. Last evaluated: 2025-06-11. Review status: criteria provided, single submitter. Criteria: GeneDx Variant Classification Process June 2021. Collection method: clinical testing. Allele origin: germline. Affected: yes.
Comment: Not observed at significant frequency in large population cohorts (gnomAD); Has not been previously published as pathogenic or benign to our knowledge; In silico analysis is inconclusive as to whether the variant alters gene splicing. In the absence of RNA/functional studies, the actual effect of this sequence change is unknown.

Literature cited by the submitters: PubMed 17576681 (cited by Labcorp Genetics (formerly Invitae), Labcorp); PubMed 9536098 (cited by Labcorp Genetics (formerly Invitae), Labcorp).

NM_025207.5(FLAD1):c.1365-3A>G

Gene: FLAD1 (flavin adenine dinucleotide synthetase 1; plus strand). Cytogenetic location: 1q21.3.
Variant type: single nucleotide variant.
Coding change: c.1365-3A>G on transcript NM_025207.5 (MANE Select); 3 bases into the intron before coding-DNA position 1365, A replaced by G.
Molecular consequence: intron variant.
Genome position (GRCh38, 1-based): chr1:154,990,336, A>G. VCF-style: chr1-154990336-A-G. GRCh37 (hg19) VCF-style: chr1-154962812-A-G.
Other names: c.1074-3A>G (NM_001184891.2, NM_201398.3).
Identifiers: ClinVar variation 4537875 (VCV004537875.2).